The following is an entry in ClinVar:

ClinVar aggregate classification (germline): Likely benign (0 of 4 stars; one submission).

Conditions:
DOCK8-related disorder. Also called: DOCK8-related condition.

gnomAD v4.1: 1 of 1,613,918 alleles (0.000062%); highest among the groups gnomAD compares: Non-Finnish European, 0.000085%; no homozygotes.

Submission:

PreventionGenetics, part of Exact Sciences
Classification: Likely benign for DOCK8-related condition. Last evaluated: 2019-08-13. Review status: no assertion criteria provided. Collection method: clinical testing. Allele origin: germline.
Comment: This variant is classified as likely benign based on ACMG/AMP sequence variant interpretation guidelines (Richards et al. 2015 PMID: 25741868, with internal and published modifications).

NM_203447.4(DOCK8):c.3285G>A (p.Glu1095=)

Gene: DOCK8 (dedicator of cytokinesis 8; plus strand). Cytogenetic location: 9p24.3.
Variant type: single nucleotide variant.
Coding change: c.3285G>A on transcript NM_203447.4 (MANE Select); coding-DNA position 3285, G replaced by A.
Protein change: p.Glu1095=; no amino-acid change (glutamic acid 1095 retained).
Molecular consequence: synonymous variant.
Genome position (GRCh38, 1-based): chr9:404,968, G>A. VCF-style: chr9-404968-G-A. GRCh37 (hg19) VCF-style: chr9-404968-G-A.
Other names: c.2985G>A, p.Glu995= (NM_001190458.2); c.3081G>A, p.Glu1027= (NM_001193536.2).
Identifiers: ClinVar variation 3358439 (VCV003358439.1).